The following is an entry in ClinVar:

NM_003560.4(PLA2G6):c.1422G>T (p.Lys474Asn)

Gene: PLA2G6 (phospholipase A2 group VI; minus strand). Cytogenetic location: 22q13.1.
Variant type: single nucleotide variant.
Coding change: c.1422G>T on transcript NM_003560.4 (MANE Select); coding-DNA position 1422, G replaced by T.
Protein change: p.Lys474Asn; replaces lysine 474 with asparagine.
Molecular consequence: missense variant.
Genome position (GRCh38, 1-based): chr22:38,126,376, C>A on the plus strand (G>T on the coding strand, the complement: PLA2G6 is on the minus strand). VCF-style: chr22-38126376-C-A. GRCh37 (hg19) VCF-style: chr22-38522383-C-A.
Other names: c.1260G>T, p.Lys420Asn (NM_001004426.3, NM_001199562.3, NM_001349865.2 and 1 more transcripts); c.1422G>T, p.Lys474Asn (NM_001349864.2); c.888G>T, p.Lys296Asn (NM_001349867.2); c.744G>T, p.Lys248Asn (NM_001349868.2); c.726G>T, p.Lys242Asn (NM_001349869.2); short protein forms K242N, K248N, K296N, K420N, K474N.
Identifiers: ClinVar variation 2417371 (VCV002417371.4), dbSNP rs1459409811, ClinGen allele CA411529058.

ClinVar aggregate classification (germline): Uncertain significance (1 of 4 stars; one submission).

Conditions:
Infantile neuroaxonal dystrophy (NBIA2A). Also called: Infantile neuroaxonal dystrophy 1; NEURODEGENERATION WITH BRAIN IRON ACCUMULATION 2A; SEITELBERGER DISEASE. Identifiers: Orphanet 35069, MedGen C0270724, MONDO:0024457, OMIM 256600.

Allele frequency attached by ClinVar (database versions not stated): TOPMed 0.00001.
gnomAD v4.1: 5 of 1,612,824 alleles (0.00031%); highest among the groups gnomAD compares: Non-Finnish European, 0.00042%; no homozygotes.

Submission:

Labcorp Genetics (formerly Invitae), Labcorp
Classification: Uncertain significance for Infantile neuroaxonal dystrophy. Last evaluated: 2022-05-30. Review status: criteria provided, single submitter. Criteria: Invitae Variant Classification Sherloc (09022015). Collection method: clinical testing. Allele origin: germline.
Comment: In summary, the available evidence is currently insufficient to determine the role of this variant in disease. Therefore, it has been classified as a Variant of Uncertain Significance. Advanced modeling of protein sequence and biophysical properties (such as structural, functional, and spatial information, amino acid conservation, physicochemical variation, residue mobility, and thermodynamic stability) performed at Invitae indicates that this missense variant is not expected to disrupt PLA2G6 protein function. This variant has not been reported in the literature in individuals affected with PLA2G6-related conditions. This variant is present in population databases (no rsID available, gnomAD 0.0009%). This sequence change replaces lysine, which is basic and polar, with asparagine, which is neutral and polar, at codon 474 of the PLA2G6 protein (p.Lys474Asn).